The following is an entry in ClinVar:

ClinVar aggregate classification (germline): Likely benign. Review status: criteria provided, multiple submitters, no conflicts (2 of 4 stars). 3 submissions from 3 submitters: Likely benign (2). 1 of the submissions does not count toward it. Last evaluated 2025-09-13.

Conditions:
KCNQ1-related disorder. Also called: KCNQ1-related condition; KCNQ1-related disorders. Identifiers: MedGen CN239322.
Cardiovascular phenotype. Identifiers: MedGen CN230736.
Long QT syndrome (LQTS). Identifiers: MedGen C0023976, MeSH D008133, MONDO:0002442. Disease mechanism: loss of function. Inheritance: Various modes of inheritance.

Allele frequency attached by ClinVar (database versions not stated): ExAC below 0.00001; gnomAD exomes below 0.00001; gnomAD 0.00002; TOPMed 0.00005; ESP Exome Variant Server 0.00008.

Submissions (3):

Labcorp Genetics (formerly Invitae), Labcorp
Classification: Likely benign for Long QT syndrome. Last evaluated: 2025-09-13. Review status: criteria provided, single submitter. Criteria: Invitae Variant Classification Sherloc (09022015). Collection method: clinical testing. Allele origin: germline.

Ambry Genetics
Classification: Likely benign for Cardiovascular phenotype. Last evaluated: 2016-06-15. Review status: criteria provided, single submitter. Criteria: Ambry Variant Classification Scheme 2023. Collection method: clinical testing. Allele origin: germline.

PreventionGenetics, part of Exact Sciences
Classification: Likely benign for KCNQ1-related condition. Last evaluated: 2021-01-20. Review status: no assertion criteria provided. Collection method: clinical testing. Allele origin: germline. Not counted in ClinVar's aggregate classification.
Comment: This variant is classified as likely benign based on ACMG/AMP sequence variant interpretation guidelines (Richards et al. 2015 PMID: 25741868, with internal and published modifications).

NM_000218.3(KCNQ1):c.1827C>T (p.Ile609=)

Genes: KCNQ1 (potassium voltage-gated channel subfamily Q member 1; plus strand), KCNQ1-AS1 (KCNQ1 antisense RNA 1; minus strand). Cytogenetic location: 11p15.4.
Variant type: single nucleotide variant.
Coding change: c.1827C>T on transcript NM_000218.3 (MANE Select); coding-DNA position 1827, C replaced by T.
Protein change: p.Ile609=; no amino-acid change (isoleucine 609 retained).
Molecular consequence: synonymous variant.
Genome position (GRCh38, 1-based): chr11:2,847,799, C>T. VCF-style: chr11-2847799-C-T. GRCh37 (hg19) VCF-style: chr11-2869029-C-T.
Other names: c.1731C>T, p.Ile577= (NM_001406836.1); c.1557C>T, p.Ile519= (NM_001406837.1); c.1287C>T, p.Ile429= (NM_001406838.1); c.339C>T, p.Ile113= (NM_001406839.1); c.1446C>T, p.Ile482= (NM_181798.2).
Identifiers: ClinVar variation 519273 (VCV000519273.17), dbSNP rs377553748, ClinGen allele CA033274.